The following is an entry in ClinVar:

NM_000901.5(NR3C2):c.731G>A (p.Arg244Gln)

Gene: NR3C2 (nuclear receptor subfamily 3 group C member 2; minus strand). Cytogenetic location: 4q31.23.
Variant type: single nucleotide variant.
Coding change: c.731G>A on transcript NM_000901.5 (MANE Select); coding-DNA position 731, G replaced by A.
Protein change: p.Arg244Gln; replaces arginine 244 with glutamine.
Molecular consequence: missense variant. On other transcripts: non-coding transcript variant (1).
Genome position (GRCh38, 1-based): chr4:148,436,130, C>T on the plus strand (G>A on the coding strand, the complement: NR3C2 is on the minus strand). VCF-style: chr4-148436130-C-T. GRCh37 (hg19) VCF-style: chr4-149357282-C-T.
Other names: c.731G>A, p.Arg244Gln (NM_001166104.2, NM_001354819.1); short protein forms R244Q.
Identifiers: ClinVar variation 3605681 (VCV003605681.2).

ClinVar aggregate classification (germline): Uncertain significance (1 of 4 stars; one submission).

gnomAD v4.1: 35 of 1,613,948 alleles (0.0022%); highest among the groups gnomAD compares: Middle Eastern, 0.016%; 1 homozygote.

Submission:

Labcorp Genetics (formerly Invitae), Labcorp
Classification: Uncertain significance. Last evaluated: 2024-10-28. Review status: criteria provided, single submitter. Criteria: Invitae Variant Classification Sherloc (09022015). Collection method: clinical testing. Allele origin: germline.
Comment: This sequence change replaces arginine, which is basic and polar, with glutamine, which is neutral and polar, at codon 244 of the NR3C2 protein (p.Arg244Gln). This variant is present in population databases (rs72645686, gnomAD 0.004%). This variant has not been reported in the literature in individuals affected with NR3C2-related conditions. Invitae Evidence Modeling of protein sequence and biophysical properties (such as structural, functional, and spatial information, amino acid conservation, physicochemical variation, residue mobility, and thermodynamic stability) indicates that this missense variant is not expected to disrupt NR3C2 protein function with a negative predictive value of 80%. In summary, the available evidence is currently insufficient to determine the role of this variant in disease. Therefore, it has been classified as a Variant of Uncertain Significance.